The following is an entry in ClinVar:

NM_001303256.3(MORC2):c.69-1G>A

Gene: MORC2 (MORC family CW-type zinc finger 2; minus strand). Cytogenetic location: 22q12.2.
Variant type: single nucleotide variant.
Coding change: c.69-1G>A on transcript NM_001303256.3 (MANE Select); the canonical splice acceptor site of the intron before coding-DNA position 69, G replaced by A.
Molecular consequence: splice acceptor variant.
Genome position (GRCh38, 1-based): chr22:30,958,695, C>T on the plus strand (G>A on the coding strand, the complement: MORC2 is on the minus strand). VCF-style: chr22-30958695-C-T. GRCh37 (hg19) VCF-style: chr22-31354681-C-T.
Other names: c.69-1G>A (NM_001303257.2); c.-118-1G>A (NM_014941.3).
Identifiers: ClinVar variation 5017864 (VCV005017864.1).
Genomic context (GRCh38, chr22:30,958,695, plus strand): 5'-ACATACCTTGCATTATCAACCAGTTCAGCAAGGGCACCAAACAAGAATTCGTGAGTGGTT[C>T]TGAAATGATAAATACTAAAAGTCAGCAAAAGAATTATTGAAGTTATAATTCCTAATAAAA-3'

ClinVar aggregate classification (germline): Uncertain significance (1 of 4 stars; one submission).

Submission:

GeneDx
Classification: Uncertain significance. Last evaluated: 2026-03-28. Review status: criteria provided, single submitter. Criteria: GeneDx Variant Classification Process June 2021. Collection method: clinical testing. Allele origin: germline.
Comment: Not observed at significant frequency in large population cohorts (gnomAD); Canonical splice site variant with an unclear effect on protein function; Has not been previously published as pathogenic or benign to our knowledge